The following is an entry in ClinVar:

NM_201384.3(PLEC):c.3050G>A (p.Arg1017Gln)

Gene: PLEC (plectin; minus strand). Cytogenetic location: 8q24.3.
Variant type: single nucleotide variant.
Coding change: c.3050G>A on transcript NM_201384.3 (MANE Select); coding-DNA position 3050, G replaced by A.
Protein change: p.Arg1017Gln; replaces arginine 1017 with glutamine.
Molecular consequence: missense variant.
Genome position (GRCh38, 1-based): chr8:143,929,445, C>T on the plus strand (G>A on the coding strand, the complement: PLEC is on the minus strand). VCF-style: chr8-143929445-C-T. GRCh37 (hg19) VCF-style: chr8-145003613-C-T.
Other names: c.3131G>A (NM_000445.3); c.3131G>A, p.Arg1044Gln (NM_000445.5); c.3008G>A, p.Arg1003Gln (NM_201378.4); c.2984G>A, p.Arg995Gln (NM_201379.3); c.3461G>A, p.Arg1154Gln (NM_201380.4); c.2954G>A, p.Arg985Gln (NM_201381.3); c.3050G>A, p.Arg1017Gln (NM_201382.4); c.3062G>A, p.Arg1021Gln (NM_201383.3); short protein forms R1003Q, R1017Q, R1154Q, R985Q, R1021Q, R1044Q, R995Q.
Identifiers: ClinVar variation 1046648 (VCV001046648.10), dbSNP rs782374414, ClinGen allele CA4927247.

ClinVar aggregate classification (germline): Uncertain significance. Review status: criteria provided, multiple submitters, no conflicts (2 of 4 stars). 5 submissions from 5 submitters: Uncertain significance (4). 1 of the submissions does not count toward it. Last evaluated 2025-10-29.

Conditions:
Epidermolysis bullosa simplex 5B, with muscular dystrophy (EBS5B). Also called: EPIDERMOLYSIS BULLOSA SIMPLEX AND LIMB-GIRDLE MUSCULAR DYSTROPHY; Epidermolysis bullosa simplex with muscular dystrophy. Identifiers: Orphanet 257, MedGen C2931072, MONDO:0009181, OMIM 226670.
Epidermolysis bullosa simplex 5C, with pyloric atresia (EBS5C). Also called: Epidermolysis bullosa simplex with pyloric atresia; PLEC-Related Epidermolysis Bullosa with Pyloric Atresia; PLEC1-Related Epidermolysis Bullosa with Pyloric Atresia. Identifiers: Orphanet 158684, MedGen C2677349, MONDO:0012807, OMIM 612138.
Autosomal recessive limb-girdle muscular dystrophy type 2Q (LGMDR17). Also called: MUSCULAR DYSTROPHY, LIMB-GIRDLE, AUTOSOMAL RECESSIVE 17. Identifiers: Orphanet 254361, MedGen C3150989, MONDO:0013390, OMIM 613723.
Epidermolysis bullosa simplex with nail dystrophy (EBS5D). Identifiers: MedGen C4225309, MONDO:0014661, OMIM 616487.
Epidermolysis bullosa simplex, Ogna type (EBS5A). Also called: Pidermolysis bullosa simplex 5A, Ogna type; EPIDERMOLYSIS BULLOSA SIMPLEX 5A, OGNA TYPE. Identifiers: Orphanet 79401, MedGen C0432317, MONDO:0007555, OMIM 131950.
Inborn genetic diseases. Identifiers: MedGen C0950123, MeSH D030342.

Allele frequency attached by ClinVar (database versions not stated): TOPMed 0.00005; ExAC 0.00009; gnomAD 0.00009; 1000 Genomes Project 30x 0.00016.
gnomAD v4.1: 132 of 1,583,832 alleles (0.0083%); highest among the groups gnomAD compares: African/African-American, 0.015%; no homozygotes.

Submissions (5):

Labcorp Genetics (formerly Invitae), Labcorp
Classification: Uncertain significance for Autosomal recessive limb-girdle muscular dystrophy type 2Q; Epidermolysis bullosa simplex, Ogna type; Epidermolysis bullosa simplex with nail dystrophy; Epidermolysis bullosa simplex 5C, with pyloric atresia; Epidermolysis bullosa simplex 5B, with muscular dystrophy. Last evaluated: 2025-10-29. Review status: criteria provided, single submitter. Criteria: Invitae Variant Classification Sherloc (09022015). Collection method: clinical testing. Allele origin: germline.
Comment: This sequence change replaces arginine, which is basic and polar, with glutamine, which is neutral and polar, at codon 1044 of the PLEC protein (p.Arg1044Gln). This variant is present in population databases (rs782374414, gnomAD 0.01%). This variant has not been reported in the literature in individuals affected with PLEC-related conditions. ClinVar contains an entry for this variant (Variation ID: 1046648). Invitae Evidence Modeling of protein sequence and biophysical properties (such as structural, functional, and spatial information, amino acid conservation, physicochemical variation, residue mobility, and thermodynamic stability) indicates that this missense variant is not expected to disrupt PLEC protein function with a negative predictive value of 80%. In summary, the available evidence is currently insufficient to determine the role of this variant in disease. Therefore, it has been classified as a Variant of Uncertain Significance.

Ambry Genetics
Classification: Uncertain significance for Inborn genetic diseases. Last evaluated: 2023-12-12. Review status: criteria provided, single submitter. Criteria: Ambry Variant Classification Scheme 2023. Collection method: clinical testing. Allele origin: germline.

Revvity Omics, Revvity
Classification: Uncertain significance. Last evaluated: 2020-06-19. Review status: criteria provided, single submitter. Criteria: ACMG Guidelines, 2015. Collection method: clinical testing. Allele origin: germline.

Breakthrough Genomics
Classification: Uncertain significance. Review status: criteria provided, single submitter. Criteria: ACMG Guidelines, 2015. Collection method: not provided. Allele origin: germline. Inheritance: Autosomal recessive inheritance. Affected: yes.

Department of Pathology and Laboratory Medicine, Sinai Health System
Classification: Uncertain significance. Review status: no assertion criteria provided. Collection method: clinical testing. Allele origin: unknown. Affected: yes. Study: The Canadian Open Genetics Repository (COGR). Not counted in ClinVar's aggregate classification.
Comment: The PLEC p.Arg1003Gln variant was not identified in the literature nor was it identified in ClinVar. The variant was identified in dbSNP (ID: rs782374414) and in control databases in 10 of 226750 chromosomes at a frequency of 0.0000441 (Genome Aggregation Database March 6, 2019, v2.1.1). The variant was observed in the following populations: European (non-Finnish) in 8 of 99582 chromosomes (freq: 0.00008), East Asian in 1 of 15934 chromosomes (freq: 0.000063) and African in 1 of 19406 chromosomes (freq: 0.000052), but was not observed in the Latino, Ashkenazi Jewish, European (Finnish), Other, or South Asian populations. The p.Arg1003 residue is conserved in mammals but not in more distantly related organisms however computational analyses (PolyPhen-2, SIFT, AlignGVGD, BLOSUM, MutationTaster) do not suggest a high likelihood of impact to the protein; this information is not predictive enough to rule out pathogenicity. The variant occurs outside of the splicing consensus sequence and in silico or computational prediction software programs (SpliceSiteFinder, MaxEntScan, NNSPLICE, GeneSplicer) do not predict a difference in splicing. In summary, based on the above information the clinical significance of this variant cannot be determined with certainty at this time. This variant is classified as a variant of uncertain significance.